The following is an entry in ClinVar:

NM_001083961.2(WDR62):c.4383G>C (p.Trp1461Cys)

Gene: WDR62 (WD repeat domain 62; plus strand). Cytogenetic location: 19q13.12.
Variant type: single nucleotide variant.
Coding change: c.4383G>C on transcript NM_001083961.2 (MANE Select); coding-DNA position 4383, G replaced by C.
Protein change: p.Trp1461Cys; replaces tryptophan 1461 with cysteine.
Molecular consequence: missense variant.
Genome position (GRCh38, 1-based): chr19:36,104,839, G>C. VCF-style: chr19-36104839-G-C. GRCh37 (hg19) VCF-style: chr19-36595741-G-C.
Other names: c.4368G>C, p.Trp1456Cys (NM_001411145.1, NM_173636.5); c.4134G>C, p.Trp1378Cys (NM_001411146.1); c.4032G>C, p.Trp1344Cys (NM_001411147.1); short protein forms W1378C, W1456C, W1344C, W1461C.
Identifiers: ClinVar variation 2337054 (VCV002337054.29), dbSNP rs375394865, ClinGen allele CA9396562.
Genomic context (GRCh38, chr19:36,104,839, plus strand): 5'-TGGCCAGGTGGACACCGGGCAGCAGCAGGCACGGACTGAGCTGGTCTCCACCTTCCTGTG[G>C]ATCCACAGCCAGCTGGAGGCTGAATGCCTGGTGGGGACTAGTGTGGCCCCAGCCCAGGCT-3'
Protein context (NP_001077430.1, residues 1451-1471): ARTELVSTFL[Trp1461Cys]IHSQLEAECL

ClinVar aggregate classification (germline): Uncertain significance. Review status: criteria provided, multiple submitters, no conflicts (2 of 4 stars). 3 submissions from 3 submitters: Uncertain significance (3). Last evaluated 2025-03-31.

Conditions:
Inborn genetic diseases. Identifiers: MedGen C0950123, MeSH D030342.

Allele frequency attached by ClinVar (database versions not stated): TOPMed 0.00003; gnomAD 0.00004; ExAC 0.00005; ESP Exome Variant Server 0.00008.
gnomAD v4.1: 124 of 1,613,398 alleles (0.0077%); highest among the groups gnomAD compares: Non-Finnish European, 0.01%; no homozygotes.

Submissions (3):

Labcorp Genetics (formerly Invitae), Labcorp
Classification: Uncertain significance. Last evaluated: 2025-03-31. Review status: criteria provided, single submitter. Criteria: Invitae Variant Classification Sherloc (09022015). Collection method: clinical testing. Allele origin: germline.
Comment: This sequence change replaces tryptophan, which is neutral and slightly polar, with cysteine, which is neutral and slightly polar, at codon 1461 of the WDR62 protein (p.Trp1461Cys). This variant is present in population databases (rs375394865, gnomAD 0.01%). This variant has not been reported in the literature in individuals affected with WDR62-related conditions. ClinVar contains an entry for this variant (Variation ID: 2337054). An algorithm developed to predict the effect of missense changes on protein structure and function (PolyPhen-2) suggests that this variant is likely to be disruptive. In summary, the available evidence is currently insufficient to determine the role of this variant in disease. Therefore, it has been classified as a Variant of Uncertain Significance.

CeGaT Center for Human Genetics Tuebingen
Classification: Uncertain significance. Last evaluated: 2023-10-01. Review status: criteria provided, single submitter. Criteria: CeGaT Center For Human Genetics Tuebingen Variant Classification Criteria Version 2. Collection method: clinical testing. Allele origin: germline. Affected: yes. Observed: 1 variant allele.
Comment: WDR62: PM2

Ambry Genetics
Classification: Uncertain significance for Inborn genetic diseases. Last evaluated: 2022-12-19. Review status: criteria provided, single submitter. Criteria: Ambry Variant Classification Scheme 2023. Collection method: clinical testing. Allele origin: germline.